The following is an entry in ClinVar:

NM_014915.3(ANKRD26):c.50C>G (p.Ala17Gly)

Genes: ANKRD26 (ankyrin repeat domain 26; minus strand), LOC130003554 (ATAC-STARR-seq lymphoblastoid silent region 2243; plus strand). Cytogenetic location: 10p12.1.
Variant type: single nucleotide variant.
Coding change: c.50C>G on transcript NM_014915.3 (MANE Select); coding-DNA position 50, C replaced by G.
Protein change: p.Ala17Gly; replaces alanine 17 with glycine.
Molecular consequence: missense variant.
Genome position (GRCh38, 1-based): chr10:27,100,277, G>C on the plus strand (C>G on the coding strand, the complement: ANKRD26 is on the minus strand). VCF-style: chr10-27100277-G-C. GRCh37 (hg19) VCF-style: chr10-27389206-G-C.
Other names: c.50C>G, p.Ala17Gly (NM_001256053.2); short protein forms A17G.
Identifiers: ClinVar variation 4579130 (VCV004579130.1).

ClinVar aggregate classification (germline): Uncertain significance (1 of 4 stars; one submission).

Conditions:
Inborn genetic diseases. Identifiers: MedGen C0950123, MeSH D030342.

gnomAD v4.1: 8 of 1,610,026 alleles (0.0005%); highest among the groups gnomAD compares: Non-Finnish European, 0.00068%; no homozygotes.

Submission:

Ambry Genetics
Classification: Uncertain significance for Inborn genetic diseases. Last evaluated: 2025-10-05. Review status: criteria provided, single submitter. Criteria: Ambry Variant Classification Scheme 2023. Collection method: clinical testing. Allele origin: germline.
Comment: The p.A17G variant (also known as c.50C>G), located in coding exon 1 of the ANKRD26 gene, results from a C to G substitution at nucleotide position 50. The alanine at codon 17 is replaced by glycine, an amino acid with similar properties. This amino acid position is conserved. In addition, this alteration is predicted to be tolerated by in silico analysis. Based on the available evidence, the clinical significance of this variant remains unclear.